The following is an entry in ClinVar:

ClinVar aggregate classification (germline): Uncertain significance. Review status: criteria provided, multiple submitters, no conflicts (2 of 4 stars). 2 submissions from 2 submitters: Uncertain significance (2). Last evaluated 2025-09-11.

Conditions:
Inborn genetic diseases. Identifiers: MedGen C0950123, MeSH D030342.

Allele frequency attached by ClinVar (database versions not stated): gnomAD exomes 0.00002 and 0.00006; ExAC 0.00005.
gnomAD v4.1: 27 of 1,612,308 alleles (0.0017%); highest among the groups gnomAD compares: Admixed American, 0.018%; no homozygotes.

Submissions (2):

Ambry Genetics
Classification: Uncertain significance for Inborn genetic diseases. Last evaluated: 2025-09-11. Review status: criteria provided, single submitter. Criteria: Ambry Variant Classification Scheme 2023. Collection method: clinical testing. Allele origin: germline.

Labcorp Genetics (formerly Invitae), Labcorp
Classification: Uncertain significance. Last evaluated: 2021-09-17. Review status: criteria provided, single submitter. Criteria: Invitae Variant Classification Sherloc (09022015). Collection method: clinical testing. Allele origin: germline.
Comment: This sequence change replaces lysine with glutamic acid at codon 420 of the MYO18B protein (p.Lys420Glu). The lysine residue is weakly conserved and there is a small physicochemical difference between lysine and glutamic acid. This variant is present in population databases (rs749574494, ExAC 0.02%). This variant has not been reported in the literature in individuals affected with MYO18B-related conditions. Algorithms developed to predict the effect of missense changes on protein structure and function output the following: SIFT: "Not Available"; PolyPhen-2: "Benign"; Align-GVGD: "Not Available". The glutamic acid amino acid residue is found in multiple mammalian species, which suggests that this missense change does not adversely affect protein function. In summary, the available evidence is currently insufficient to determine the role of this variant in disease. Therefore, it has been classified as a Variant of Uncertain Significance.

NM_032608.7(MYO18B):c.1258A>G (p.Lys420Glu)

Gene: MYO18B (myosin XVIIIB; plus strand). Cytogenetic location: 22q12.1.
Variant type: single nucleotide variant.
Coding change: c.1258A>G on transcript NM_032608.7 (MANE Select); coding-DNA position 1258, A replaced by G.
Protein change: p.Lys420Glu; replaces lysine 420 with glutamic acid.
Molecular consequence: missense variant.
Genome position (GRCh38, 1-based): chr22:25,769,174, A>G. VCF-style: chr22-25769174-A-G. GRCh37 (hg19) VCF-style: chr22-26165141-A-G.
Other names: c.1258A>G, p.Lys420Glu (NM_001318245.2); c.1258A>G (NM_032608.5); short protein forms K420E.
Identifiers: ClinVar variation 1398262 (VCV001398262.6), dbSNP rs749574494, ClinGen allele CA10159792.